The following is an entry in ClinVar:

NM_032444.4(SLX4):c.366G>C (p.Lys122Asn)

Gene: SLX4 (SLX4 structure-specific endonuclease subunit; minus strand). Cytogenetic location: 16p13.3.
Variant type: single nucleotide variant.
Coding change: c.366G>C on transcript NM_032444.4 (MANE Select); coding-DNA position 366, G replaced by C.
Protein change: p.Lys122Asn; replaces lysine 122 with asparagine.
Molecular consequence: missense variant.
Genome position (GRCh38, 1-based): chr16:3,608,599, C>G on the plus strand (G>C on the coding strand, the complement: SLX4 is on the minus strand). VCF-style: chr16-3608599-C-G. GRCh37 (hg19) VCF-style: chr16-3658600-C-G.
Other names: c.366G>C (LRG_503t1); short protein forms K122N.
Identifiers: ClinVar variation 578556 (VCV000578556.8), dbSNP rs149626570, ClinGen allele CA394547379.

ClinVar aggregate classification (germline): Uncertain significance (1 of 4 stars; one submission).

Conditions:
Fanconi anemia (FA). Also called: Fanconi's anemia. Identifiers: Orphanet 84, MedGen C0015625, MeSH D005199, MONDO:0019391.

gnomAD v4.1: 1 of 1,614,162 alleles (0.000062%); highest among the groups gnomAD compares: Non-Finnish European, 0.000085%; no homozygotes.

Submission:

Labcorp Genetics (formerly Invitae), Labcorp
Classification: Uncertain significance for Fanconi anemia. Last evaluated: 2021-08-27. Review status: criteria provided, single submitter. Criteria: Invitae Variant Classification Sherloc (09022015). Collection method: clinical testing. Allele origin: germline.
Comment: This sequence change replaces lysine with asparagine at codon 122 of the SLX4 protein (p.Lys122Asn). The lysine residue is weakly conserved and there is a moderate physicochemical difference between lysine and asparagine. This variant is not present in population databases (ExAC no frequency). This variant has not been reported in the literature in individuals affected with SLX4-related conditions. Algorithms developed to predict the effect of missense changes on protein structure and function output the following: SIFT: "Deleterious"; PolyPhen-2: "Probably Damaging"; Align-GVGD: "Class C0". The asparagine amino acid residue is found in multiple mammalian species, which suggests that this missense change does not adversely affect protein function. In summary, the available evidence is currently insufficient to determine the role of this variant in disease. Therefore, it has been classified as a Variant of Uncertain Significance.